The following is an entry in ClinVar:

ClinVar aggregate classification (germline): Uncertain significance (1 of 4 stars; one submission).

Conditions:
Charcot-Marie-Tooth disease dominant intermediate C (CMTDIC). Also called: CHARCOT-MARIE-TOOTH NEUROPATHY, DOMINANT INTERMEDIATE C. Identifiers: Orphanet 100045, MedGen C1842237, MONDO:0012012, OMIM 608323.

gnomAD v4.1: 1 of 1,613,986 alleles (0.000062%); highest among the groups gnomAD compares: Admixed American, 0.0017%; no homozygotes.

Submission:

Labcorp Genetics (formerly Invitae), Labcorp
Classification: Uncertain significance for Charcot-Marie-Tooth disease dominant intermediate C. Last evaluated: 2021-09-08. Review status: criteria provided, single submitter. Criteria: Invitae Variant Classification Sherloc (09022015). Collection method: clinical testing. Allele origin: germline.
Comment: This variant has not been reported in the literature in individuals affected with YARS-related conditions. In summary, the available evidence is currently insufficient to determine the role of this variant in disease. Therefore, it has been classified as a Variant of Uncertain Significance. Algorithms developed to predict the effect of missense changes on protein structure and function are either unavailable or do not agree on the potential impact of this missense change (SIFT: "Not Available"; PolyPhen-2: "Benign"; Align-GVGD: "Not Available"). This variant is not present in population databases (ExAC no frequency). This sequence change replaces asparagine with isoleucine at codon 526 of the YARS protein (p.Asn526Ile). The asparagine residue is moderately conserved and there is a large physicochemical difference between asparagine and isoleucine.

NM_003680.4(YARS1):c.1577A>T (p.Asn526Ile)

Gene: YARS1 (tyrosyl-tRNA synthetase 1; minus strand). Cytogenetic location: 1p35.1.
Variant type: single nucleotide variant.
Coding change: c.1577A>T on transcript NM_003680.4 (MANE Select); coding-DNA position 1577, A replaced by T.
Protein change: p.Asn526Ile; replaces asparagine 526 with isoleucine.
Molecular consequence: missense variant.
Genome position (GRCh38, 1-based): chr1:32,775,991, T>A on the plus strand (A>T on the coding strand, the complement: YARS1 is on the minus strand). VCF-style: chr1-32775991-T-A. GRCh37 (hg19) VCF-style: chr1-33241592-T-A.
Other names: short protein forms N526I.
Identifiers: ClinVar variation 1681471 (VCV001681471.6), dbSNP rs771633110, ClinGen allele CA20270568.